The following is an entry in ClinVar:

ClinVar aggregate classification (germline): Uncertain significance (1 of 4 stars; one submission).

Conditions:
Hereditary factor IX deficiency disease (HEMB). Also called: PLASMA THROMBOPLASTIN COMPONENT DEFICIENCY; Hemophilia B; Christmas Disease; F9 DEFICIENCY; FACTOR IX DEFICIENCY. Identifiers: Orphanet 98879, MedGen C0008533, MeSH D002836, MONDO:0010604, OMIM 306900.
Thrombophilia, X-linked, due to factor 9 defect. Identifiers: MedGen C2749016, MONDO:0010432, OMIM 300807.

Submission:

Labcorp Genetics (formerly Invitae), Labcorp
Classification: Uncertain significance for Thrombophilia, X-linked, due to factor 9 defect; Hereditary factor IX deficiency disease. Last evaluated: 2020-03-26. Review status: criteria provided, single submitter. Criteria: Invitae Variant Classification Sherloc (09022015). Collection method: clinical testing. Allele origin: germline.
Comment: This variant has been observed in individual(s) with hemophilia B (PMID: 7937052). This variant is also known as 31259A>C 380T>P in the literature. This variant is not present in population databases (ExAC no frequency). This sequence change replaces threonine with proline at codon 426 of the F9 protein (p.Thr426Pro). The threonine residue is highly conserved and there is a small physicochemical difference between threonine and proline. This variant disrupts the p.Thr426 amino acid residue in F9. Other variant(s) that disrupt this residue have been observed in individuals with F9-related conditions (PMID: 7937052), which suggests that this may be a clinically significant amino acid residue. In summary, the available evidence is currently insufficient to determine the role of this variant in disease. Therefore, it has been classified as a Variant of Uncertain Significance. Algorithms developed to predict the effect of missense changes on protein structure and function (SIFT, PolyPhen-2, Align-GVGD) all suggest that this variant is likely to be disruptive, but these predictions have not been confirmed by published functional studies and their clinical significance is uncertain.

Literature cited by the submitters: PubMed 7937052.

NM_000133.4(F9):c.1276A>C (p.Thr426Pro)

Gene: F9 (coagulation factor IX; plus strand). Cytogenetic location: Xq27.1.
Variant type: single nucleotide variant.
Coding change: c.1276A>C on transcript NM_000133.4 (MANE Select); coding-DNA position 1276, A replaced by C.
Protein change: p.Thr426Pro; replaces threonine 426 with proline.
Molecular consequence: missense variant.
Genome position (GRCh38, 1-based): chrX:139,561,961, A>C. VCF-style: chrX-139561961-A-C. GRCh37 (hg19) VCF-style: chrX-138644120-A-C.
Other names: c.1162A>C, p.Thr388Pro (NM_001313913.2); short protein forms T388P, T426P.
Identifiers: ClinVar variation 1039443 (VCV001039443.8), dbSNP rs1928129466, ClinGen allele CA414447018.